The following is an entry in ClinVar:

NM_014425.5(INVS):c.938C>T (p.Ser313Leu)

Gene: INVS (inversin; plus strand). Cytogenetic location: 9q31.1.
Variant type: single nucleotide variant.
Coding change: c.938C>T on transcript NM_014425.5 (MANE Select); coding-DNA position 938, C replaced by T.
Protein change: p.Ser313Leu; replaces serine 313 with leucine.
Molecular consequence: missense variant. On other transcripts: 5 prime UTR variant (1), non-coding transcript variant (1).
Genome position (GRCh38, 1-based): chr9:100,246,647, C>T. VCF-style: chr9-100246647-C-T. GRCh37 (hg19) VCF-style: chr9-103008929-C-T.
Other names: c.650C>T, p.Ser217Leu (NM_001318381.2); c.-41C>T (NM_001318382.2); c.938C>T (NM_014425.2); short protein forms S313L, S217L.
Identifiers: ClinVar variation 1388271 (VCV001388271.8), dbSNP rs756222867, ClinGen allele CA5158295.

ClinVar aggregate classification (germline): Uncertain significance. Review status: criteria provided, multiple submitters, no conflicts (2 of 4 stars). 2 submissions from 2 submitters: Uncertain significance (2). Last evaluated 2024-05-26.

Conditions:
Nephronophthisis. Also called: Juvenile Nephronophthisis. Identifiers: Orphanet 655, MedGen C0687120, MONDO:0019005, HP:0000090.
Inborn genetic diseases. Identifiers: MedGen C0950123, MeSH D030342.

Allele frequency attached by ClinVar (database versions not stated): gnomAD exomes below 0.00001 and 0.00001; TOPMed below 0.00001; ExAC 0.00001; gnomAD 0.00001.
gnomAD v4.1: 3 of 1,613,686 alleles (0.00019%); highest among the groups gnomAD compares: East Asian, 0.0067%; no homozygotes.

Submissions (2):

Ambry Genetics
Classification: Uncertain significance for Inborn genetic diseases. Last evaluated: 2024-05-26. Review status: criteria provided, single submitter. Criteria: Ambry Variant Classification Scheme 2023. Collection method: clinical testing. Allele origin: germline.

Labcorp Genetics (formerly Invitae), Labcorp
Classification: Uncertain significance for Nephronophthisis. Last evaluated: 2024-02-17. Review status: criteria provided, single submitter. Criteria: Invitae Variant Classification Sherloc (09022015). Collection method: clinical testing. Allele origin: germline.
Comment: This sequence change replaces serine, which is neutral and polar, with leucine, which is neutral and non-polar, at codon 313 of the INVS protein (p.Ser313Leu). This variant is present in population databases (rs756222867, gnomAD 0.02%). This variant has not been reported in the literature in individuals affected with INVS-related conditions. ClinVar contains an entry for this variant (Variation ID: 1388271). An algorithm developed to predict the effect of missense changes on protein structure and function (PolyPhen-2) suggests that this variant is likely to be disruptive. In summary, the available evidence is currently insufficient to determine the role of this variant in disease. Therefore, it has been classified as a Variant of Uncertain Significance.